The following is an entry in ClinVar:

NM_000157.4(GBA1):c.1300C>T (p.Arg434Cys)

Genes: GBA1 (glucosylceramidase beta 1; minus strand), LOC106627981 (GBA recombination region; plus strand). Cytogenetic location: 1q22.
Variant type: single nucleotide variant.
Coding change: c.1300C>T on transcript NM_000157.4 (MANE Select); coding-DNA position 1300, C replaced by T.
Protein change: p.Arg434Cys; replaces arginine 434 with cysteine.
Molecular consequence: missense variant.
Genome position (GRCh38, 1-based): chr1:155,235,769, G>A on the plus strand (C>T on the coding strand, the complement: GBA1 is on the minus strand). VCF-style: chr1-155235769-G-A. GRCh37 (hg19) VCF-style: chr1-155205560-G-A.
Other names: NP_000148.2:p.(R434C); c.1300C>T (NM_000157.3); c.1300C>T, p.Arg434Cys (NM_001005741.3, NM_001005742.3); c.1039C>T, p.Arg347Cys (NM_001171811.2); c.1153C>T, p.Arg385Cys (NM_001171812.2); short protein forms R347C, R385C, R434C.
Identifiers: ClinVar variation 2429167 (VCV002429167.5), dbSNP rs747284798, ClinGen allele CA342713359.

ClinVar aggregate classification (germline): Likely pathogenic. Review status: criteria provided, multiple submitters, no conflicts (2 of 4 stars). 4 submissions from 4 submitters: Likely pathogenic (3). 1 of the submissions does not count toward it. Last evaluated 2025-07-24.

Conditions:
Gaucher disease. Also called: Acute cerebral Gaucher disease; Cerebroside lipidosis syndrome; Gaucher splenomegaly; Sphingolipidosis 1; Glucocerebrosidosis; Glucosylceramidase deficiency. Identifiers: Orphanet 355, MedGen C0017205, MONDO:0018150.
Gaucher disease type I (GD1). Also called: Gaucher's disease, type 1; ACID BETA-GLUCOSIDASE DEFICIENCY; Type 1 Gaucher Disease; GD 1; GAUCHER DISEASE, NONCEREBRAL JUVENILE; GBA DEFICIENCY. Identifiers: Orphanet 355, Orphanet 77259, MedGen C1961835, MONDO:0009265, OMIM 230800.
Parkinson disease, late-onset (PD). Also called: Susceptibility to Parkinson's Disease; Hereditary late onset Parkinson disease; PARKINSON DISEASE, LATE-ONSET, SUSCEPTIBILITY TO. Identifiers: Orphanet 411602, MedGen C3160718, MONDO:0008199, OMIM 168600.

Submissions (4):

Natera, Inc.
Classification: Likely pathogenic for Gaucher disease. Last evaluated: 2025-07-24. Review status: criteria provided, single submitter. Criteria: Natera Variant Classification Schema (03/2026). Collection method: clinical testing. Allele origin: germline.
Comment: The c.1300C>T variant in GBA1 is a missense variant predicted to cause substitution of arginine to cysteine at amino acid 434. This variant is rare in the general population with a frequency below the threshold expected for the associated phenotype(s). This variant has been observed in one or more individuals affected with the associated recessive disease, as either homozygous or compound heterozygous with a second variant (PMID: 24522292, 17427031, 34134921, 17059888). Functional studies show that this variant may disrupt protein function (PMID: 24522292). Computational prediction algorithms indicate this variant is likely to affect gene or protein function. Given the available evidence, this variant is classified as Likely Pathogenic.

3billion
Classification: Likely pathogenic for Parkinson disease, late-onset. Last evaluated: 2025-02-05. Review status: criteria provided, single submitter. Criteria: ACMG Guidelines, 2015. Collection method: clinical testing. Allele origin: germline. Affected: yes.
Comment: The variant is observed at an extremely low frequency in the gnomAD v4.1.0 dataset (total allele frequency: <0.001%). Predicted Consequence/Location: Missense variant In silico tool predictions suggest damaging effect of the variant on gene or gene product [REVEL: 0.81 (>=0.6, sensitivity 0.68 and specificity 0.92); 3Cnet: 0.99 (>=0.6, sensitivity 0.72 and precision 0.9)]. The same nucleotide change resulting in the same amino acid change has been previously reported to be associated with GBA1-related disorder (ClinVar ID: VCV002429167). The variant has been reported to be in trans with a pathogenic variant as either compound heterozygous or homozygous in at least 2 similarly affected unrelated individuals (PMID: 17059888, 17427031, 22429443, 24522292, 30285649). Therefore, this variant is classified as Likely pathogenic according to the recommendation of ACMG/AMP guideline.

Women's Health and Genetics/Laboratory Corporation of America, LabCorp
Classification: Likely pathogenic for Gaucher disease. Last evaluated: 2023-01-31. Review status: criteria provided, single submitter. Criteria: LabCorp Variant Classification Summary - May 2015. Collection method: clinical testing. Allele origin: germline.
Comment: Variant summary: GBA c.1300C>T (p.Arg434Cys) results in a non-conservative amino acid change located in the Glycosyl hydrolase family 30, TIM-barrel domain of the encoded protein sequence. Four of five in-silico tools predict a damaging effect of the variant on protein function. The variant allele was found at a frequency of 4e-06 in 251420 control chromosomes. c.1300C>T has been reported in the literature in individuals affected with Gaucher Disease. These data indicate that the variant is likely to be associated with disease. At least one publication reports experimental evidence evaluating an impact on protein function. The most pronounced variant effect results in 10%-<30% of normal activity (Sheth_2018). No clinical diagnostic laboratories have submitted clinical-significance assessments for this variant to ClinVar after 2014. In addition, p.R434P has been reported to associate with Gaucher disease too. Based on the evidence outlined above, the variant was classified as likely pathogenic.

Laboratório Nacional de Células Tronco Embrionárias, Instituto de Biociencias - Universidade de Sao Paulo
Classification: Likely pathogenic for Gaucher disease type I. Last evaluated: 2025-06-24. Review status: no assertion criteria provided. Collection method: research. Allele origin: inherited. Inheritance: Autosomal recessive inheritance. Affected: yes. Observed: 3 variant alleles. Not counted in ClinVar's aggregate classification.
Comment: This is the only variant detected at the GBA locus in this allele in compound heterozigosity (in trans) with a previously described variant of Gaucher disease - genotype RecTL/R434C. Mutation detected and described in Gaucher disease patients (n=3) in Rozenberg et al., 2006 (doi:10.1016/j.bcmd.2006.09.004), Giraldo et al., 2012 (doi:10.1186/1750-1172-7-17), Ankleshwaria et al., 2014 (doi: 10.1038/jhg.2014.5). Based on these data and established disease mechanisms for GBA1, we classified it as likely pathogenic.

Literature cited by the submitters: PubMed 24522292 (cited by 3 submitters); PubMed 17427031 (cited by 3 submitters); PubMed 34134921 (cited by Natera, Inc.); PubMed 17059888 (cited by 3 submitters); PubMed 30285649 (cited by 3billion and Women's Health and Genetics/Laboratory Corporation of America, LabCorp); PubMed 22429443 (cited by 3billion and Women's Health and Genetics/Laboratory Corporation of America, LabCorp); PubMed 9497856 (cited by Women's Health and Genetics/Laboratory Corporation of America, LabCorp); DOI 10.1016/j.bcmd.2006.09.004 (cited by Laboratório Nacional de Células Tronco Embrionárias, Instituto de Biociencias - Universidade de Sao Paulo); DOI 10.1186/1750-1172-7-17 (cited by Laboratório Nacional de Células Tronco Embrionárias, Instituto de Biociencias - Universidade de Sao Paulo); DOI 10.1038/jhg.2014.5 (cited by Laboratório Nacional de Células Tronco Embrionárias, Instituto de Biociencias - Universidade de Sao Paulo).